The following is an entry in ClinVar:

NM_006005.3(WFS1):c.2054G>A (p.Arg685His)

Gene: WFS1 (wolframin ER transmembrane glycoprotein; plus strand). Cytogenetic location: 4p16.1.
Variant type: single nucleotide variant.
Coding change: c.2054G>A on transcript NM_006005.3 (MANE Select); coding-DNA position 2054, G replaced by A.
Protein change: p.Arg685His; replaces arginine 685 with histidine.
Molecular consequence: missense variant.
Genome position (GRCh38, 1-based): chr4:6,301,849, G>A. VCF-style: chr4-6301849-G-A. GRCh37 (hg19) VCF-style: chr4-6303576-G-A.
Other names: p.R685H:CGC>CAC; c.2054G>A, p.Arg685His (NM_001145853.1); short protein forms R685H.
Identifiers: ClinVar variation 215395 (VCV000215395.66), dbSNP rs142668478, ClinGen allele CA322762.

ClinVar aggregate classification (germline): Conflicting classifications of pathogenicity. Review status: criteria provided, conflicting classifications (1 of 4 stars). 15 submissions from 15 submitters: Likely pathogenic (1); Uncertain significance (11); Likely benign (1). 2 of the submissions do not count toward it. Last evaluated 2026-01-12.

Conditions:
Autosomal dominant nonsyndromic hearing loss 6 (LFSNHL). Also called: DEAFNESS, AUTOSOMAL DOMINANT 6; DEAFNESS, AUTOSOMAL DOMINANT 14; DEAFNESS, AUTOSOMAL DOMINANT 38; Autosomal dominant nonsyndromic deafness 6. Identifiers: Orphanet 90635, MedGen C1833021, MONDO:0010963, OMIM 600965.
Type 2 diabetes mellitus. Also called: Type II diabetes mellitus. Identifiers: MedGen C0011860, MeSH D003924, MONDO:0005148, OMIM 125853, HP:0005978.
Cataract 41 (CTRCT41). Also called: CATARACT 41, CONGENITAL NUCLEAR TYPE. Identifiers: Orphanet 91492, Orphanet 98991, Orphanet 98992, Orphanet 98995, MedGen C3805412, MONDO:0007287, OMIM 116400.
Wolfram-like syndrome. Also called: HEARING LOSS, PROGRESSIVE, WITH OPTIC ATROPHY AND/OR IMPAIRED GLUCOSE REGULATION. Identifiers: Orphanet 411590, MedGen C3280358, MONDO:0013673, OMIM 614296.
Wolfram syndrome 1 (WFS1). Identifiers: Orphanet 3463, MedGen C4551693, MONDO:0009101, OMIM 222300.
WFS1-related disorder. Identifiers: MedGen CN379391, MONDO:0700293.
Hearing impairment. Also called: Impaired Hearing. Identifiers: MedGen C1384666, MONDO:0005365, HP:0000365.

Allele frequency attached by ClinVar (database versions not stated): ExAC 0.00014; gnomAD 0.00014; ESP Exome Variant Server 0.00015; TOPMed 0.00020.
gnomAD v4.1: 260 of 1,612,740 alleles (0.016%); highest among the groups gnomAD compares: Middle Eastern, 0.033%; no homozygotes.

Submissions (15):

PreventionGenetics, part of Exact Sciences
Classification: Uncertain significance for WFS1-related condition. Last evaluated: 2026-01-12. Review status: criteria provided, single submitter. Criteria: ACMG Guidelines, 2015. Collection method: clinical testing. Allele origin: germline.
Comment: The WFS1 c.2054G>A variant is predicted to result in the amino acid substitution p.Arg685His. This variant was reported in an individual with non-autoimmune early-onset diabetes (Artuso et al. 2015. PubMed ID: 25048417). This variant is reported in 0.026% of alleles in individuals of European (Non-Finnish) descent in gnomAD. At this time, the clinical significance of this variant is uncertain due to the absence of conclusive functional and genetic evidence.

Labcorp Genetics (formerly Invitae), Labcorp
Classification: Likely benign. Last evaluated: 2025-08-09. Review status: criteria provided, single submitter. Criteria: Invitae Variant Classification Sherloc (09022015). Collection method: clinical testing. Allele origin: germline.

Women's Health and Genetics/Laboratory Corporation of America, LabCorp
Classification: Uncertain significance. Last evaluated: 2025-07-10. Review status: criteria provided, single submitter. Criteria: LabCorp Variant Classification Summary - May 2015. Collection method: clinical testing. Allele origin: germline.
Comment: Variant summary: WFS1 c.2054G>A (p.Arg685His) results in a non-conservative amino acid change in the encoded protein sequence. Algorithms developed to predict the effect of missense changes on protein structure and function all suggest that this variant is likely to be disruptive. The variant allele was found at a frequency of 0.00018 in 250084 control chromosomes. This frequency is not significantly higher than estimated for a pathogenic variant in WFS1 causing Wolfram Syndrome 1, allowing no conclusion about variant significance. c.2054G>A has been observed in individual(s) affected with early-onset diabetes, without strong evidence for causality (Artuso_2015). These report(s) do not provide unequivocal conclusions about association of the variant with Wolfram Syndrome 1. To our knowledge, no experimental evidence demonstrating an impact on protein function has been reported. The following publication has been ascertained in the context of this evaluation (PMID: 25048417). ClinVar contains an entry for this variant (Variation ID: 215395). Based on the evidence outlined above, the variant was classified as uncertain significance.

Clinical Genomics Laboratory, Washington University in St. Louis
Classification: Uncertain significance for Wolfram syndrome 1. Last evaluated: 2025-07-07. Review status: criteria provided, single submitter. Criteria: ACMG Guidelines, 2015. Collection method: clinical testing. Allele origin: germline.
Comment: A WFS1 c.2054G>A (p.Arg685His) variant was identified in a heterozygous state. This variant has been reported in a family with early-onset diabetes (Artuso R et al., PMID: 25048417). This variant has been reported as a germline variant of uncertain significance by several submitters in the ClinVar database (ClinVar Variation ID: 215395). It is observed in 49/281,476 alleles in the general population (gnomAD v2.1.1). Computational predictors indicate that the variant is damaging, evidence that correlates with impact to WFS1 function. Due to limited information, and based on ACMG/AMP guidelines for variant interpretation (Richards S et al., PMID: 25741868), the clinical significance of this variant is uncertain at this time.

Blueprint Genetics
Classification: Uncertain significance. Last evaluated: 2024-11-07. Review status: criteria provided, single submitter. Criteria: ACMG Guidelines, 2015. Collection method: clinical testing. Allele origin: germline.

GeneDx
Classification: Uncertain significance. Last evaluated: 2024-07-26. Review status: criteria provided, single submitter. Criteria: GeneDx Variant Classification Process June 2021. Collection method: clinical testing. Allele origin: germline. Affected: yes.
Comment: In silico analysis indicates that this missense variant does not alter protein structure/function; This variant is associated with the following publications: (PMID: 25048417)

Fulgent Genetics
Classification: Uncertain significance for Cataract 41; Type 2 diabetes mellitus; Wolfram syndrome 1; Autosomal dominant nonsyndromic hearing loss 6; Wolfram-like syndrome. Last evaluated: 2024-05-20. Review status: criteria provided, single submitter. Criteria: ACMG Guidelines, 2015. Collection method: clinical testing. Allele origin: germline.

ARUP Laboratories, Molecular Genetics and Genomics, ARUP Laboratories
Classification: Uncertain significance. Last evaluated: 2024-04-03. Review status: criteria provided, single submitter. Criteria: ARUP Molecular Germline Variant Investigation Process 2024. Collection method: clinical testing. Allele origin: germline.
Comment: The WFS1 c.2054G>A; p.Arg685His variant (rs142668478), to our knowledge, is not reported in the medical literature but is reported in ClinVar (Variation ID: 215395). This variant is found in the non-Finnish European population with an allele frequency of 0.03% (34/128384 alleles) in the Genome Aggregation Database (v2.1.1). Computational analyses are uncertain whether this variant is neutral or deleterious (REVEL: 0.688). Due to limited information, the clinical significance of this variant is uncertain at this time.

Department of Pathology and Laboratory Medicine, Sinai Health System
Classification: Uncertain significance for Cataract 41; Type 2 diabetes mellitus; Wolfram syndrome 1; Autosomal dominant nonsyndromic hearing loss 6; Wolfram-like syndrome. Last evaluated: 2022-01-27. Review status: criteria provided, single submitter. Criteria: ACMG Guidelines, 2015. Collection method: research. Allele origin: germline.

MGZ Medical Genetics Center
Classification: Uncertain significance for Wolfram-like syndrome. Last evaluated: 2021-10-26. Review status: criteria provided, single submitter. Criteria: ACMG Guidelines, 2015. Collection method: clinical testing. Allele origin: germline. Affected: yes. Observed: 1 variant allele.
Comment: ACMG criteria applied: PM5, PM2_SUP, PP3

Department of Otolaryngology – Head & Neck Surgery, Cochlear Implant Center
Classification: Likely pathogenic for Hearing impairment. Last evaluated: 2021-04-12. Review status: criteria provided, single submitter. Criteria: ClinGen HL ACMG Specifications v1. Collection method: clinical testing. Allele origin: germline. Affected: yes.
Comment: PS1_Strong, PM2_Moderate, PM5_Moderate, PP3_Supporting

Eurofins Ntd Llc (ga)
Classification: Uncertain significance. Last evaluated: 2018-01-09. Review status: criteria provided, single submitter. Criteria: EGL Classification Definitions 2015. Collection method: clinical testing. Allele origin: germline. Observed: 1 variant allele, 1 heterozygote.

CeGaT Center for Human Genetics Tuebingen
Classification: Uncertain significance. Last evaluated: 2017-05-01. Review status: criteria provided, single submitter. Criteria: CeGaT Center For Human Genetics Tuebingen Variant Classification Criteria Version 2. Collection method: clinical testing. Allele origin: germline. Affected: yes. Observed: 1 variant allele.

Diagnostic Laboratory, Department of Genetics, University Medical Center Groningen
Classification: Uncertain significance. Review status: no assertion criteria provided. Collection method: clinical testing. Allele origin: germline. Affected: yes. Study: VKGL Data-share Consensus. Not counted in ClinVar's aggregate classification.

Laboratory of Diagnostic Genome Analysis, Leiden University Medical Center (LUMC)
Classification: Uncertain significance. Review status: no assertion criteria provided. Collection method: clinical testing. Allele origin: germline. Affected: yes. Study: VKGL Data-share Consensus. Not counted in ClinVar's aggregate classification.

Literature cited by the submitters: PubMed 25048417 (cited by 3 submitters).